The following is an entry in ClinVar:

ClinVar aggregate classification (germline): Likely pathogenic. Review status: criteria provided, multiple submitters, no conflicts (2 of 4 stars). 2 submissions from 2 submitters: Likely pathogenic (2). Last evaluated 2022-06-27.

Conditions:
MYO7A-related disorder. Also called: MYO7A-related disorders.

gnomAD v4.1: 3 of 1,612,972 alleles (0.00019%); highest among the groups gnomAD compares: Non-Finnish European, 0.00025%; no homozygotes.

Submissions (2):

Blueprint Genetics
Classification: Likely pathogenic for MYO7A-related disorders. Last evaluated: 2022-06-27. Review status: criteria provided, single submitter. Criteria: ACMG Guidelines, 2015. Collection method: clinical testing. Allele origin: germline. Affected: yes. Observed: 1 variant allele.

Labcorp Genetics (formerly Invitae), Labcorp
Classification: Likely pathogenic. Last evaluated: 2021-06-03. Review status: criteria provided, single submitter. Criteria: Invitae Variant Classification Sherloc (09022015). Collection method: clinical testing. Allele origin: germline.
Comment: This sequence change affects an acceptor splice site in intron 45 of the MYO7A gene. It is expected to disrupt RNA splicing and likely results in an absent or disrupted protein product. This variant is not present in population databases (ExAC no frequency). This variant has not been reported in the literature in individuals with MYO7A-related conditions. Donor and acceptor splice site variants typically lead to a loss of protein function (PMID: 16199547), and loss-of-function variants in MYO7A are known to be pathogenic (PMID: 8900236, 25404053). In summary, the currently available evidence indicates that the variant is pathogenic, but additional data are needed to prove that conclusively. Therefore, this variant has been classified as Likely Pathogenic.

Literature cited by the submitters: PubMed 16199547 (cited by Labcorp Genetics (formerly Invitae), Labcorp); PubMed 8900236 (cited by Labcorp Genetics (formerly Invitae), Labcorp); PubMed 25404053 (cited by Labcorp Genetics (formerly Invitae), Labcorp).

NM_000260.4(MYO7A):c.6238-2A>G

Gene: MYO7A (myosin VIIA; plus strand). Cytogenetic location: 11q13.5.
Variant type: single nucleotide variant.
Coding change: c.6238-2A>G on transcript NM_000260.4 (MANE Select); the canonical splice acceptor site of the intron before coding-DNA position 6238, A replaced by G.
Molecular consequence: splice acceptor variant.
Genome position (GRCh38, 1-based): chr11:77,211,819, A>G. VCF-style: chr11-77211819-A-G. GRCh37 (hg19) VCF-style: chr11-76922864-A-G.
Other names: c.6091-2A>G (NM_001369365.1); c.6124-2A>G (NM_001127180.2).
Identifiers: ClinVar variation 957913 (VCV000957913.9), dbSNP rs1555109612, ClinGen allele CA381936423.